The following is an entry in ClinVar:

ClinVar aggregate classification (germline): Pathogenic (1 of 4 stars; one submission).

Submission:

Labcorp Genetics (formerly Invitae), Labcorp
Classification: Pathogenic. Last evaluated: 2024-04-25. Review status: criteria provided, single submitter. Criteria: Invitae Variant Classification Sherloc (09022015). Collection method: clinical testing. Allele origin: germline.
Comment: This sequence change creates a premature translational stop signal (p.Glu17*) in the MSN gene. It is expected to result in an absent or disrupted protein product. Loss-of-function variants in MSN are known to be pathogenic (PMID: 27405666). This variant is not present in population databases (gnomAD no frequency). This variant has not been reported in the literature in individuals affected with MSN-related conditions. ClinVar contains an entry for this variant (Variation ID: 2017647). For these reasons, this variant has been classified as Pathogenic.

Literature cited by the submitters: PubMed 27405666.

NM_002444.3(MSN):c.49G>T (p.Glu17Ter)

Gene: MSN (moesin; plus strand). Cytogenetic location: Xq12.
Variant type: single nucleotide variant.
Coding change: c.49G>T on transcript NM_002444.3 (MANE Select); coding-DNA position 49, G replaced by T.
Protein change: p.Glu17Ter; replaces glutamic acid 17 with a stop codon.
Molecular consequence: nonsense.
Genome position (GRCh38, 1-based): chrX:65,716,854, G>T. VCF-style: chrX-65716854-G-T. GRCh37 (hg19) VCF-style: chrX-64936716-G-T.
Other names: short protein forms E17*.
Identifiers: ClinVar variation 2017647 (VCV002017647.4), dbSNP rs2522976660, ClinGen allele CA413414463.
Genomic context (GRCh38, chrX:65,716,854, plus strand): 5'-CTGCTTCCTTTGATCTCATCCTAGATCAGTGTGCGTGTGACCACCATGGATGCAGAGCTG[G>T]AGTTTGCCATCCAGCCCAACACCACCGGGAAGCAGCTATTTGACCAGGTAAGGCGGAGAC-3'